The following is an entry in ClinVar:

NM_005633.4(SOS1):c.2671G>A (p.Glu891Lys)

Gene: SOS1 (SOS Ras/Rac guanine nucleotide exchange factor 1; minus strand). Cytogenetic location: 2p22.1.
Variant type: single nucleotide variant.
Coding change: c.2671G>A on transcript NM_005633.4 (MANE Select); coding-DNA position 2671, G replaced by A.
Protein change: p.Glu891Lys; replaces glutamic acid 891 with lysine.
Molecular consequence: missense variant.
Genome position (GRCh38, 1-based): chr2:39,007,033, C>T on the plus strand (G>A on the coding strand, the complement: SOS1 is on the minus strand). VCF-style: chr2-39007033-C-T. GRCh37 (hg19) VCF-style: chr2-39234174-C-T.
Other names: c.2650G>A, p.Glu884Lys (NM_001382394.1); c.2671G>A, p.Glu891Lys (NM_001382395.1); short protein forms E891K, E884K.
Identifiers: ClinVar variation 505408 (VCV000505408.11), dbSNP rs1553353452, ClinGen allele CA346363312.

ClinVar aggregate classification (germline): Conflicting classifications of pathogenicity. Review status: criteria provided, conflicting classifications (1 of 4 stars). 4 submissions from 4 submitters: Likely pathogenic (2); Uncertain significance (2). Last evaluated 2024-03-25.

Conditions:
Noonan syndrome (NS). Also called: Noonan's syndrome. Identifiers: Orphanet 648, MedGen C0028326, MeSH D009634, MONDO:0018997. Disease mechanism: gain of function.
RASopathy. Also called: Noonan spectrum disorder; rasopathies. Identifiers: Orphanet 536391, MedGen C5555857, MONDO:0021060.
Noonan syndrome 4 (NS4). Also called: SOS1-Related Noonan Syndrome; NOONAN SYNDROME WITH PIGMENTED VILLONODULAR SYNOVITIS. Identifiers: Orphanet 648, MedGen C1853120, MONDO:0012547, OMIM 610733.

Submissions (4):

Genomic Medicine Center of Excellence, King Faisal Specialist Hospital and Research Centre
Classification: Likely pathogenic for Noonan syndrome 4. Last evaluated: 2024-03-25. Review status: criteria provided, single submitter. Criteria: ACMG Guidelines, 2015. Collection method: research. Allele origin: germline.

Labcorp Genetics (formerly Invitae), Labcorp
Classification: Uncertain significance for RASopathy. Last evaluated: 2022-05-25. Review status: criteria provided, single submitter. Criteria: Invitae Variant Classification Sherloc (09022015). Collection method: clinical testing. Allele origin: germline.
Comment: In summary, the available evidence is currently insufficient to determine the role of this variant in disease. Therefore, it has been classified as a Variant of Uncertain Significance. Algorithms developed to predict the effect of missense changes on protein structure and function (SIFT, PolyPhen-2, Align-GVGD) all suggest that this variant is likely to be tolerated. ClinVar contains an entry for this variant (Variation ID: 505408). This variant has not been reported in the literature in individuals affected with SOS1-related conditions. This variant is not present in population databases (gnomAD no frequency). This sequence change replaces glutamic acid, which is acidic and polar, with lysine, which is basic and polar, at codon 891 of the SOS1 protein (p.Glu891Lys).

Victorian Clinical Genetics Services, Murdoch Childrens Research Institute
Classification: Uncertain significance for Noonan syndrome 4. Last evaluated: 2020-05-26. Review status: criteria provided, single submitter. Criteria: ACMG Guidelines, 2015. Collection method: clinical testing. Allele origin: germline. Inheritance: Autosomal dominant inheritance. Affected: yes.
Comment: Based on the classification scheme VCGS_Germline_v0.6.1, this variant is classified as 3A-VUS. Following criteria are met: 0101 - Gain of function is a known mechanism of disease for this gene. 0107 - This gene is known to be associated with autosomal dominant disease. 0200 - Variant is predicted to result in a missense amino acid change from glutamic acid to lysine (exon 16). It is also a non-canonical splice region variant without proven consequence on splicing (no functional evidence available). 0301 - Variant is absent from gnomAD. 0502 - Missense variant with conflicting in silico predictions and high conservation. Abnormal splicing is not predicted by in silico tools. 0600 - Variant is located in an annotated domain or motif that does not have a well established function (RasGEF domain; PDB, NCBI). 0705 - No comparable variants in relevant codon/region have previous evidence for pathogenicity. 0802 - Moderate previous evidence of pathogenicity in unrelated individuals. It has been previously reported likely pathogenic in a patient with Noonan syndrome (ClinVar). 0905 - No published segregation evidence has been identified for this variant. 1007 - No published functional evidence has been identified for this variant.

Laboratory for Molecular Medicine, Mass General Brigham Personalized Medicine
Classification: Likely pathogenic for Noonan syndrome. Last evaluated: 2016-11-17. Review status: criteria provided, single submitter. Criteria: LMM Criteria. Collection method: clinical testing. Allele origin: germline. Observed: 1 variant allele.
Comment: This var iant was absent from large population studies. Computational prediction tools an d conservation analysis do not provide strong support for or against an impact t o the protein. In summary, although additional studies are required to fully est ablish its clinical significance, the p.Glu891Lys variant is likely pathogenic.